The following is an entry in ClinVar:

NM_014915.3(ANKRD26):c.398T>C (p.Leu133Pro)

Gene: ANKRD26 (ankyrin repeat domain containing 26; minus strand). Cytogenetic location: 10p12.1.
Variant type: single nucleotide variant.
Coding change: c.398T>C on transcript NM_014915.3 (MANE Select); coding-DNA position 398, T replaced by C.
Protein change: p.Leu133Pro; replaces leucine 133 with proline.
Molecular consequence: missense variant.
Genome position (GRCh38, 1-based): chr10:27,093,482, A>G on the plus strand (T>C on the coding strand, the complement: ANKRD26 is on the minus strand). VCF-style: chr10-27093482-A-G. GRCh37 (hg19) VCF-style: chr10-27382411-A-G.
Other names: c.398T>C, p.Leu133Pro (NM_001256053.2); short protein forms L133P.
Identifiers: ClinVar variation 3396677 (VCV003396677.1).

ClinVar aggregate classification (germline): Uncertain significance (1 of 4 stars; one submission).

Conditions:
Inborn genetic diseases. Identifiers: MedGen C0950123, MeSH D030342.

Submission:

Ambry Genetics
Classification: Uncertain significance for Inborn genetic diseases. Last evaluated: 2024-11-25. Review status: criteria provided, single submitter. Criteria: Ambry Variant Classification Scheme 2023. Collection method: clinical testing. Allele origin: germline.
Comment: The p.L133P variant (also known as c.398T>C), located in coding exon 3 of the ANKRD26 gene, results from a T to C substitution at nucleotide position 398. The leucine at codon 133 is replaced by proline, an amino acid with similar properties. This amino acid position is conserved. In addition, this alteration is predicted to be deleterious by in silico analysis. Based on the available evidence, the clinical significance of this variant remains unclear.